The following is an entry in ClinVar:

NM_206933.4(USH2A):c.13778C>A (p.Ser4593Ter)

Gene: USH2A (usherin; minus strand). Cytogenetic location: 1q41.
Variant type: single nucleotide variant.
Coding change: c.13778C>A on transcript NM_206933.4 (MANE Select); coding-DNA position 13778, C replaced by A.
Protein change: p.Ser4593Ter; replaces serine 4593 with a stop codon.
Molecular consequence: nonsense.
Genome position (GRCh38, 1-based): chr1:215,674,133, G>T on the plus strand (C>A on the coding strand, the complement: USH2A is on the minus strand). VCF-style: chr1-215674133-G-T. GRCh37 (hg19) VCF-style: chr1-215847475-G-T.
Other names: short protein forms S4593*.
Identifiers: ClinVar variation 1418661 (VCV001418661.7), dbSNP rs1202573136, ClinGen allele CA344843324.
Genomic context (GRCh38, chr1:215,674,133, plus strand): 5'-TCAGAAAACCGAGACATGGCTACCTACCTGTGAAATGGCTTCAGCTGGTTTACTATATAT[G>T]ACTGCATACCAAAAGAATTATGAGTTGTGTTTATGTGTATGATTTTAGTTTCTCTTTCAA-3'

ClinVar aggregate classification (germline): Pathogenic. Review status: criteria provided, multiple submitters, no conflicts (2 of 4 stars). 2 submissions from 2 submitters: Pathogenic (2). Last evaluated 2024-12-21.

Conditions:
USH2A-related disorder. Also called: USH2A-related disorders; USH2A-related condition. Identifiers: MedGen CN239332.

gnomAD v4.1: 2 of 1,614,032 alleles (0.00012%); highest among the groups gnomAD compares: Non-Finnish European, 0.00017%; no homozygotes.

Submissions (2):

Myriad Genetics, Inc.
Classification: Pathogenic for USH2A-related disorder. Last evaluated: 2024-12-21. Review status: criteria provided, single submitter. Criteria: Myriad Autosomal Dominant, Autosomal Recessive and X-Linked Classification Criteria (2023). Collection method: clinical testing. Allele origin: unknown.
Comment: NM_206933.2(USH2A):c.13778C>A(S4593*) is expected to be pathogenic in the context of USH2A-related disorders. This variant is predicted to lead to an abnormal or absent protein product due to the creation of a premature termination codon in USH2A, a gene where loss-of-function variants are known to be pathogenic. Please note: this variant was assessed in the context of healthy population screening.

Labcorp Genetics (formerly Invitae), Labcorp
Classification: Pathogenic. Last evaluated: 2023-10-13. Review status: criteria provided, single submitter. Criteria: Invitae Variant Classification Sherloc (09022015). Collection method: clinical testing. Allele origin: germline.
Comment: This sequence change creates a premature translational stop signal (p.Ser4593*) in the USH2A gene. It is expected to result in an absent or disrupted protein product. Loss-of-function variants in USH2A are known to be pathogenic (PMID: 10729113, 10909849, 20507924, 25649381). This variant is not present in population databases (gnomAD no frequency). This variant has not been reported in the literature in individuals affected with USH2A-related conditions. ClinVar contains an entry for this variant (Variation ID: 1418661). For these reasons, this variant has been classified as Pathogenic.

Literature cited by the submitters: PubMed 10729113 (cited by Labcorp Genetics (formerly Invitae), Labcorp); PubMed 10909849 (cited by Labcorp Genetics (formerly Invitae), Labcorp); PubMed 20507924 (cited by Labcorp Genetics (formerly Invitae), Labcorp); PubMed 25649381 (cited by Labcorp Genetics (formerly Invitae), Labcorp).